The following is an entry in ClinVar:

ClinVar aggregate classification (germline): Uncertain significance (1 of 4 stars; one submission).

Conditions:
Curry-Hall syndrome (WAD). Also called: WEYERS ACRODENTAL DYSOSTOSIS. Identifiers: Orphanet 952, MedGen C0457013, MONDO:0008673, OMIM 193530.
Ellis-van Creveld syndrome (EVC). Also called: EVC-Related Ellis-van Creveld Syndrome; EVC2-Related Ellis-van Creveld Syndrome; MESOECTODERMAL DYSPLASIA; Chondroectodermal dysplasia. Identifiers: Orphanet 289, MedGen C0013903, MONDO:0009162, OMIM 225500.

Submission:

Labcorp Genetics (formerly Invitae), Labcorp
Classification: Uncertain significance for Curry-Hall syndrome; Ellis-van Creveld syndrome. Last evaluated: 2024-06-22. Review status: criteria provided, single submitter. Criteria: Invitae Variant Classification Sherloc (09022015). Collection method: clinical testing. Allele origin: germline.
Comment: This sequence change affects codon 962 of the EVC2 mRNA. It is a 'silent' change, meaning that it does not change the encoded amino acid sequence of the EVC2 protein. This variant is not present in population databases (gnomAD no frequency). This variant has not been reported in the literature in individuals affected with EVC2-related conditions. Algorithms developed to predict the effect of sequence changes on RNA splicing suggest that this variant may create or strengthen a splice site. In summary, the available evidence is currently insufficient to determine the role of this variant in disease. Therefore, it has been classified as a Variant of Uncertain Significance.

NM_147127.5(EVC2):c.2886C>G (p.Gly962=)

Gene: EVC2 (EvC ciliary complex subunit 2; minus strand). Cytogenetic location: 4p16.2.
Variant type: single nucleotide variant.
Coding change: c.2886C>G on transcript NM_147127.5 (MANE Select); coding-DNA position 2886, C replaced by G.
Protein change: p.Gly962=; no amino-acid change (glycine 962 retained).
Molecular consequence: synonymous variant.
Genome position (GRCh38, 1-based): chr4:5,584,794, G>C on the plus strand (C>G on the coding strand, the complement: EVC2 is on the minus strand). VCF-style: chr4-5584794-G-C. GRCh37 (hg19) VCF-style: chr4-5586521-G-C.
Other names: c.2646C>G, p.Gly882= (NM_001166136.2).
Identifiers: ClinVar variation 3762583 (VCV003762583.2).